The following is an entry in ClinVar:

ClinVar aggregate classification (germline): Benign/Likely benign. Review status: criteria provided, multiple submitters, no conflicts (2 of 4 stars). 4 submissions from 4 submitters: Benign (3); Likely benign (1). Last evaluated 2026-01-28.

Conditions:
Primary ciliary dyskinesia. Also called: Ciliary dyskinesia. Identifiers: Orphanet 244, MedGen C0008780, MONDO:0016575, HP:0012265.

Allele frequency attached by ClinVar (database versions not stated): ESP Exome Variant Server 0.00017; gnomAD 0.00024 and 0.00059; TOPMed 0.00035; gnomAD exomes 0.00069 and 0.00138; ExAC 0.00263; 1000 Genomes Project 30x 0.00312; 1000 Genomes Project 0.00399.
gnomAD v4.1: 1,100 of 1,588,018 alleles (0.069%); highest among the groups gnomAD compares: South Asian, 0.75%; 16 homozygotes.

Submissions (4):

Labcorp Genetics (formerly Invitae), Labcorp
Classification: Benign for Primary ciliary dyskinesia. Last evaluated: 2026-01-28. Review status: criteria provided, single submitter. Criteria: Invitae Variant Classification Sherloc (09022015). Collection method: clinical testing. Allele origin: germline.

CeGaT Center for Human Genetics Tuebingen
Classification: Likely benign. Last evaluated: 2023-06-01. Review status: criteria provided, single submitter. Criteria: CeGaT Center For Human Genetics Tuebingen Variant Classification Criteria Version 2. Collection method: clinical testing. Allele origin: germline. Affected: yes. Observed: 2 variant alleles.
Comment: DNAH11: BP4, BS2

Ambry Genetics
Classification: Benign for Primary ciliary dyskinesia. Last evaluated: 2016-02-24. Review status: criteria provided, single submitter. Criteria: Ambry Variant Classification Scheme 2023. Collection method: clinical testing. Allele origin: germline.

PreventionGenetics, part of Exact Sciences
Classification: Benign. Review status: criteria provided, single submitter. Criteria: ACMG Guidelines, 2015. Collection method: clinical testing. Allele origin: germline.

NM_001277115.2(DNAH11):c.661A>T (p.Met221Leu)

Gene: DNAH11 (dynein axonemal heavy chain 11; plus strand). Cytogenetic location: 7p15.3.
Variant type: single nucleotide variant.
Coding change: c.661A>T on transcript NM_001277115.2 (MANE Select); coding-DNA position 661, A replaced by T.
Protein change: p.Met221Leu; replaces methionine 221 with leucine.
Molecular consequence: missense variant.
Genome position (GRCh38, 1-based): chr7:21,558,967, A>T. VCF-style: chr7-21558967-A-T. GRCh37 (hg19) VCF-style: chr7-21598585-A-T.
Other names: short protein forms M221L.
Identifiers: ClinVar variation 215427 (VCV000215427.43), dbSNP rs147525173, ClinGen allele CA338132.